The following is an entry in ClinVar:

NM_145045.5(ODAD3):c.244+1G>T

Gene: ODAD3 (outer dynein arm docking complex subunit 3; minus strand). Cytogenetic location: 19p13.2.
Variant type: single nucleotide variant.
Coding change: c.244+1G>T on transcript NM_145045.5 (MANE Select); the canonical splice donor site of the intron after coding-DNA position 244, G replaced by T.
Molecular consequence: splice donor variant. On other transcripts: intron variant (1).
Genome position (GRCh38, 1-based): chr19:11,434,772, C>A on the plus strand (G>T on the coding strand, the complement: ODAD3 is on the minus strand). VCF-style: chr19-11434772-C-A. GRCh37 (hg19) VCF-style: chr19-11545593-C-A.
Other names: c.82+918G>T (NM_001302453.1); c.244+1G>T (NM_001302454.2).
Identifiers: ClinVar variation 858967 (VCV000858967.8), dbSNP rs937290981, ClinGen allele CA305341142.

ClinVar aggregate classification (germline): Likely pathogenic (1 of 4 stars; one submission).

Conditions:
Primary ciliary dyskinesia 30. Also called: CILIARY DYSKINESIA, PRIMARY, 30, WITH OR WITHOUT SITUS INVERSUS. Identifiers: Orphanet 244, MedGen C4015016, MONDO:0014465, OMIM 616037.

gnomAD v4.1: 4 of 1,609,730 alleles (0.00025%); highest among the groups gnomAD compares: Non-Finnish European, 0.00034%; no homozygotes.

Submission:

Labcorp Genetics (formerly Invitae), Labcorp
Classification: Likely pathogenic for Primary ciliary dyskinesia 30. Last evaluated: 2024-04-07. Review status: criteria provided, single submitter. Criteria: Invitae Variant Classification Sherloc (09022015). Collection method: clinical testing. Allele origin: germline.
Comment: This sequence change affects a donor splice site in intron 1 of the CCDC151 gene. It is expected to disrupt RNA splicing. Variants that disrupt the donor or acceptor splice site typically lead to a loss of protein function (PMID: 16199547), and loss-of-function variants in CCDC151 are known to be pathogenic (PMID: 25192045). This variant is present in population databases (no rsID available, gnomAD 0.0009%). Disruption of this splice site has been observed in individual(s) with primary ciliary dyskinesia (PMID: 31130284). ClinVar contains an entry for this variant (Variation ID: 858967). Algorithms developed to predict the effect of sequence changes on RNA splicing suggest that this variant may disrupt the consensus splice site. In summary, the currently available evidence indicates that the variant is pathogenic, but additional data are needed to prove that conclusively. Therefore, this variant has been classified as Likely Pathogenic.

Literature cited by the submitters: PubMed 16199547; PubMed 25192045; PubMed 31130284.